The following is an entry in ClinVar:

NM_182925.5(FLT4):c.3072del (p.Met1025fs)

Gene: FLT4 (fms related receptor tyrosine kinase 4; minus strand). Cytogenetic location: 5q35.3.
Variant type: Deletion.
Coding change: c.3072del on transcript NM_182925.5 (MANE Select); coding-DNA position 3072, one base deleted (G; older notation c.3072delG).
Protein change: p.Met1025fs; shifts the reading frame from methionine 1025.
Molecular consequence: frameshift variant.
Genome position (GRCh38, 1-based): chr5:180,616,924, C deleted on the plus strand (G on the coding strand, the reverse complement: FLT4 is on the minus strand); the first of 3 consecutive C bases (chr5:180,616,924-180,616,926); deleting any one gives the same sequence. VCF-style (leftmost placement, unchanged base first): chr5-180616923-TC-T. GRCh37 (hg19) VCF-style: chr5-180043923-TC-T.
Other names: KP684483; c.3072del, p.Met1025fs (NM_001354989.2, NM_002020.5); short protein forms M1025fs.
Identifiers: ClinVar variation 204354 (VCV000204354.3), dbSNP rs796052111, ClinGen allele CA251294.
Genomic context (GRCh38, chr5:180,616,923, plus strand): 5'-CCTTTTCCCGTCTGAAGGGCCTTCGGGGGAAGCTCACCTTTCGGGAAGCCAGGAACTCCA[TC>T]CCTCTGGCCACCTGGAAGCTGTAGCAGACAAGATCTTCCATGGTCAGCGGGCTCAGCCAC-3'

ClinVar aggregate classification (germline): Uncertain significance (0 of 4 stars; one submission).

Conditions:
Carcinoma of colon (CRC). Also called: Colonic carcinoma; Colon carcinoma. Identifiers: MedGen C0699790, MONDO:0002032.

Submission:

Immunobiology Lab; University of Kashmir
Classification: Uncertain significance for Carcinoma of colon. Last evaluated: 2014-05-07. Review status: no assertion criteria provided. Collection method: case-control. Allele origin: somatic. Affected: yes. Study: Mutational Hotspot profiling of Tyrosine Kinase domain of VEGF receptors in Human colorectal tumors.
Comment: The variation(s) were confirmed by double pass sequencing of PCR products amplified from genomic DNA of colonic lesions fron colorectal patients